The following is an entry in ClinVar:

NM_018139.3(DNAAF2):c.163G>A (p.Glu55Lys)

Gene: DNAAF2 (dynein axonemal assembly factor 2; minus strand). Cytogenetic location: 14q21.3.
Variant type: single nucleotide variant.
Coding change: c.163G>A on transcript NM_018139.3 (MANE Select); coding-DNA position 163, G replaced by A.
Protein change: p.Glu55Lys; replaces glutamic acid 55 with lysine.
Molecular consequence: missense variant.
Genome position (GRCh38, 1-based): chr14:49,634,987, C>T on the plus strand (G>A on the coding strand, the complement: DNAAF2 is on the minus strand). VCF-style: chr14-49634987-C-T. GRCh37 (hg19) VCF-style: chr14-50101705-C-T.
Other names: c.163G>A, p.Glu55Lys (NM_001083908.2); short protein forms E55K.
Identifiers: ClinVar variation 1406680 (VCV001406680.6), dbSNP rs2139584403, ClinGen allele CA389632453.

ClinVar aggregate classification (germline): Uncertain significance (1 of 4 stars; one submission).

Conditions:
Primary ciliary dyskinesia. Also called: Ciliary dyskinesia. Identifiers: Orphanet 244, MedGen C0008780, MONDO:0016575, HP:0012265.

Submission:

Labcorp Genetics (formerly Invitae), Labcorp
Classification: Uncertain significance for Primary ciliary dyskinesia. Last evaluated: 2024-11-02. Review status: criteria provided, single submitter. Criteria: Invitae Variant Classification Sherloc (09022015). Collection method: clinical testing. Allele origin: germline.
Comment: This sequence change replaces glutamic acid, which is acidic and polar, with lysine, which is basic and polar, at codon 55 of the DNAAF2 protein (p.Glu55Lys). This variant is not present in population databases (gnomAD no frequency). This missense change has been observed in individual(s) with clinical features of primary ciliary dyskinesia (internal data). ClinVar contains an entry for this variant (Variation ID: 1406680). Invitae Evidence Modeling of protein sequence and biophysical properties (such as structural, functional, and spatial information, amino acid conservation, physicochemical variation, residue mobility, and thermodynamic stability) indicates that this missense variant is expected to disrupt DNAAF2 protein function with a positive predictive value of 80%. In summary, the available evidence is currently insufficient to determine the role of this variant in disease. Therefore, it has been classified as a Variant of Uncertain Significance.